The following is an entry in ClinVar:

ClinVar aggregate classification (germline): Uncertain significance (1 of 4 stars; one submission).

Conditions:
Malignant hyperthermia, susceptibility to, 1 (MHS1). Also called: Anesthesia related hyperthermia; Malignant hyperpyrexia; Fulminating hyperpyrexia; Pharmacogenic myopathy; RYR1-Related Malignant Hyperthermia Susceptibility; Malignant hyperthermia suceptibility 1. Identifiers: Orphanet 423, MedGen C2930980, MONDO:0007783, OMIM 145600.

Submission:

All of Us Research Program, National Institutes of Health
Classification: Uncertain significance for Malignant hyperthermia, susceptibility to, 1. Last evaluated: 2023-08-28. Review status: criteria provided, single submitter. Criteria: ACMG Guidelines, 2015. Collection method: clinical testing. Allele origin: germline. Inheritance: Autosomal dominant inheritance. Observed: 1 variant allele, 1 heterozygote.
Comment: This missense variant replaces valine with isoleucine at codon 301 of the RYR1 protein. Computational prediction suggests that this variant may not impact protein structure and function (internally defined REVEL score threshold <= 0.5, PMID: 27666373). To our knowledge, functional studies have not been reported for this variant. This variant has not been reported in individuals affected with RYR1-related disorders in the literature. This variant has not been identified in the general population by the Genome Aggregation Database (gnomAD). The available evidence is insufficient to determine the role of this variant in disease conclusively. Therefore, this variant is classified as a Variant of Uncertain Significance.

This study involves interpretation of variants in research participants for the purpose of population health screening. Participant phenotype was not available at the time of variant classification. Additional details can be found in publication PMID: 35346344, PMCID: PMC8962531

NM_000540.3(RYR1):c.901G>A (p.Val301Ile)

Gene: RYR1 (ryanodine receptor 1; plus strand). Cytogenetic location: 19q13.2.
Variant type: single nucleotide variant.
Coding change: c.901G>A on transcript NM_000540.3 (MANE Select); coding-DNA position 901, G replaced by A.
Protein change: p.Val301Ile; replaces valine 301 with isoleucine.
Molecular consequence: missense variant.
Genome position (GRCh38, 1-based): chr19:38,448,455, G>A. VCF-style: chr19-38448455-G-A. GRCh37 (hg19) VCF-style: chr19-38939095-G-A.
Other names: c.901G>A, p.Val301Ile (NM_001042723.2); short protein forms V301I.
Identifiers: ClinVar variation 3073241 (VCV003073241.1), dbSNP rs1412854550, ClinGen allele CA405682020.